The following is an entry in ClinVar:

NM_015294.6(TRIM37):c.827dup (p.Tyr276Ter)

Gene: TRIM37 (tripartite motif containing 37; minus strand). Cytogenetic location: 17q22.
Variant type: Duplication.
Coding change: c.827dup on transcript NM_015294.6 (MANE Select); coding-DNA position 827, one base duplicated (A; older notation c.827dupA).
Protein change: p.Tyr276Ter; replaces tyrosine 276 with a stop codon.
Molecular consequence: nonsense. On other transcripts: non-coding transcript variant (2), intron variant (1).
Genome position (GRCh38, 1-based): chr17:59,064,388, T duplicated on the plus strand (A on the coding strand, the reverse complement: TRIM37 is on the minus strand). VCF-style (leftmost placement, unchanged base first): chr17-59064387-G-GT. GRCh37 (hg19) VCF-style: chr17-57141748-G-GT.
Other names: c.827dup, p.Tyr276Ter (NM_001005207.5, NM_001320988.3, NM_001320989.3 and 1 more transcripts); c.725dup, p.Tyr242Ter (NM_001320987.3, NM_001353082.2); c.461dup, p.Tyr154Ter (NM_001320990.3); c.92dup, p.Tyr31Ter (NM_001353083.2); c.365dup, p.Tyr122Ter (NM_001353085.2); c.810-1740dup (NM_001353086.2); short protein forms Y242*, Y122*, Y154*, Y276*, Y31*.
Identifiers: ClinVar variation 2760722 (VCV002760722.3), dbSNP rs2545858260, ClinGen allele CA2639026032.
Genomic context (GRCh38, chr17:59,064,387, plus strand): 5'-AAAAACCAGAATTGTCAAAAACTCTTACCTGAAATTCTCTAAAACAAAAGTAGCTGAATC[G>GT]TAAGATGGCACTAATTCACTAAAAAAAAAAAGGCAAAAAAAATTATTTAGCTTACATGTT-3'

ClinVar aggregate classification (germline): Pathogenic (1 of 4 stars; one submission).

Allele frequency attached by ClinVar (database versions not stated): gnomAD exomes below 0.00001.

Submission:

Labcorp Genetics (formerly Invitae), Labcorp
Classification: Pathogenic. Last evaluated: 2023-09-14. Review status: criteria provided, single submitter. Criteria: Invitae Variant Classification Sherloc (09022015). Collection method: clinical testing. Allele origin: germline.
Comment: This variant is not present in population databases (gnomAD no frequency). This variant has not been reported in the literature in individuals affected with TRIM37-related conditions. For these reasons, this variant has been classified as Pathogenic. This sequence change creates a premature translational stop signal (p.Tyr276*) in the TRIM37 gene. It is expected to result in an absent or disrupted protein product. Loss-of-function variants in TRIM37 are known to be pathogenic (PMID: 10888877, 15108285).

Literature cited by the submitters: PubMed 10888877; PubMed 15108285.